The following is an entry in ClinVar:

ClinVar aggregate classification (germline): Uncertain significance (1 of 4 stars; one submission).

Conditions:
Familial cold autoinflammatory syndrome 2 (FCAS2). Identifiers: Orphanet 247868, MedGen C2673198, MONDO:0012724, OMIM 611762.

Submission:

Labcorp Genetics (formerly Invitae), Labcorp
Classification: Uncertain significance for Familial cold autoinflammatory syndrome 2. Last evaluated: 2023-10-05. Review status: criteria provided, single submitter. Criteria: Invitae Variant Classification Sherloc (09022015). Collection method: clinical testing. Allele origin: germline.
Comment: This sequence change replaces serine, which is neutral and polar, with threonine, which is neutral and polar, at codon 651 of the NLRP12 protein (p.Ser651Thr). This variant is present in population databases (rs370478544, gnomAD 0.003%). This variant has not been reported in the literature in individuals affected with NLRP12-related conditions. ClinVar contains an entry for this variant (Variation ID: 2139854). Advanced modeling of protein sequence and biophysical properties (such as structural, functional, and spatial information, amino acid conservation, physicochemical variation, residue mobility, and thermodynamic stability) performed at Invitae indicates that this missense variant is not expected to disrupt NLRP12 protein function. In summary, the available evidence is currently insufficient to determine the role of this variant in disease. Therefore, it has been classified as a Variant of Uncertain Significance.

NM_144687.4(NLRP12):c.1951T>A (p.Ser651Thr)

Gene: NLRP12 (NLR family pyrin domain containing 12; minus strand). Cytogenetic location: 19q13.42.
Variant type: single nucleotide variant.
Coding change: c.1951T>A on transcript NM_144687.4 (MANE Select); coding-DNA position 1951, T replaced by A.
Protein change: p.Ser651Thr; replaces serine 651 with threonine.
Molecular consequence: missense variant.
Genome position (GRCh38, 1-based): chr19:53,809,708, A>T on the plus strand (T>A on the coding strand, the complement: NLRP12 is on the minus strand). VCF-style: chr19-53809708-A-T. GRCh37 (hg19) VCF-style: chr19-54312962-A-T.
Other names: c.1951T>A, p.Ser651Thr (NM_001277126.2, NM_001277129.1); short protein forms S651T.
Identifiers: ClinVar variation 2139854 (VCV002139854.4), dbSNP rs370478544, ClinGen allele CA9639311.
Genomic context (GRCh38, chr19:53,809,708, plus strand): 5'-TGTAGGTGGCGCCATACAAGTGCAGCACCTGGGCGCTCCTGCAGCGCTTCAGACAGAACG[A>T]GGAGACCATGTGCTCCATCTTGGAGGCAATGTTGCTGACCACGATCACCTGGAAGTGGCT-3'
Protein context (NP_653288.1, residues 641-661): IASKMEHMVS[Ser651Thr]FCLKRCRSAQ